The following is an entry in ClinVar:

NM_001351132.2(PEX5):c.1469_1470insAC (p.Gln491fs)

Gene: PEX5 (peroxisomal biogenesis factor 5; plus strand). Cytogenetic location: 12p13.31.
Variant type: Insertion.
Coding change: c.1469_1470insAC on transcript NM_001351132.2 (MANE Select); coding-DNA positions 1469 to 1470, AC inserted.
Protein change: p.Gln491fs; shifts the reading frame from glutamine 491.
Molecular consequence: frameshift variant.
Genome position: GRCh38 VCF-style: chr12-7209079-T-TAC. GRCh37 (hg19) VCF-style: chr12-7361675-T-TAC.
Other names: c.1445_1446insAC, p.Gln483fs (NM_000319.5); c.1469_1470insAC, p.Gln491fs (NM_001131026.2, NM_001300789.3, NM_001351131.2 and 4 more transcripts); c.1358_1359insAC, p.Gln454fs (NM_001351124.3, NM_001351126.2, NM_001351127.2 and 7 more transcripts); c.1403_1404insAC, p.Gln469fs (NM_001351138.2, NM_001351135.3); c.1334_1335insAC, p.Gln446fs (NM_001351139.2, NM_001351140.2, NM_001374649.2); c.1514_1515insAC, p.Gln506fs (NM_001131023.2); c.1460_1461insAC, p.Gln488fs (NM_001351136.2); short protein forms Q446fs, Q454fs, Q469fs, Q483fs, Q488fs, Q491fs, Q506fs.
Identifiers: ClinVar variation 1072376 (VCV001072376.7), dbSNP rs2136243209, ClinGen allele CA2499221844.

ClinVar aggregate classification (germline): Pathogenic (1 of 4 stars; one submission).

Conditions:
Peroxisome biogenesis disorder 2B (PBD2B). Identifiers: Orphanet 44, MedGen C3550234, MONDO:0008736, OMIM 202370.

Submission:

Labcorp Genetics (formerly Invitae), Labcorp
Classification: Pathogenic for Peroxisome biogenesis disorder 2B. Last evaluated: 2021-01-12. Review status: criteria provided, single submitter. Criteria: Invitae Variant Classification Sherloc (09022015). Collection method: clinical testing. Allele origin: germline.
Comment: For these reasons, this variant has been classified as Pathogenic. Loss-of-function variants in PEX5 are known to be pathogenic (PMID: 18712838, 21031596). This variant has not been reported in the literature in individuals with PEX5-related conditions. This variant is not present in population databases (ExAC no frequency). This sequence change creates a premature translational stop signal (p.Gln491Argfs*11) in the PEX5 gene. It is expected to result in an absent or disrupted protein product.

Literature cited by the submitters: PubMed 18712838; PubMed 21031596.